The following is an entry in ClinVar:

NM_000169.3(GLA):c.194+2T>C

Genes: GLA (galactosidase alpha; minus strand), RPL36A-HNRNPH2 (RPL36A-HNRNPH2 readthrough; plus strand). Cytogenetic location: Xq22.1.
Variant type: single nucleotide variant.
Coding change: c.194+2T>C on transcript NM_000169.3 (MANE Select); the canonical splice donor site of the intron after coding-DNA position 194, T replaced by C.
Molecular consequence: splice donor variant. On other transcripts: intron variant (2).
Genome position (GRCh38, 1-based): chrX:101,407,708, A>G on the plus strand (T>C on the coding strand, the complement: GLA is on the minus strand). VCF-style: chrX-101407708-A-G. GRCh37 (hg19) VCF-style: chrX-100662696-A-G.
Other names: NC_000023.10:g.100662696A>G; c.301-4228A>G (NM_001199973.2); c.178-4228A>G (NM_001199974.2); c.194+2T>C (NM_001406747.1, NM_001406748.1, NM_001406749.1).
Identifiers: ClinVar variation 4087204 (VCV004087204.3).

ClinVar aggregate classification (germline): Pathogenic (1 of 4 stars; one submission).

Conditions:
Fabry disease. Also called: ALPHA-GALACTOSIDASE A DEFICIENCY; ANDERSON-FABRY DISEASE; CERAMIDE TRIHEXOSIDASE DEFICIENCY; GLA DEFICIENCY; HEREDITARY DYSTOPIC LIPIDOSIS; Angiokeratoma corporis diffusum. Identifiers: Orphanet 324, MedGen C0002986, MONDO:0010526, OMIM 301500, HP:0001071. Disease mechanism: Fabry disease is due to inactivating mutations in the X-linked GLA gene resulting in deficiency of the enzyme Alpha Galactosidase-A., loss of function.

Submissions (3):

Genomenon, Inc
Classification: Pathogenic for Fabry disease. Last evaluated: 2026-09-08. Review status: criteria provided, single submitter. Criteria: Genomenon Sequence Variant Interpretation Standards - Updated. Collection method: curation. Allele origin: germline. Affected: yes.
Comment: GLA c.194+2T>C is a canonical splice variant affecting the donor splice site of intron 1. It is predicted to affect mRNA splicing, leading to a deleterious effect on the GLA protein. This variant has been observed in at least one proband with clinical features consistent with Fabry disease (PMID:27560961;15806320;35338595). A de novo occurrence of this variant has been observed in at least one affected individual (PMID:15806320). At least one splicing study has demonstrated that this variant results in aberrant splicing (PMID:15806320). It is absent or not present at a significant frequency in gnomAD. In conclusion, we classify GLA c.194+2T>C as a pathogenic variant.

Dr. Peter K. Rogan Lab, Western University
No classification provided (evidence only). Condition: Nonpapillary renal cell carcinoma. Review status: no classification provided. Collection method: in vitro. Allele origin: not applicable. Functional consequence: retained intron. Not counted in ClinVar's aggregate classification.

Dr. Peter K. Rogan Lab, Western University
No classification provided (evidence only). Condition: Nonpapillary renal cell carcinoma. Review status: no classification provided. Collection method: in vitro. Allele origin: not applicable. Functional consequence: retained intron. Not counted in ClinVar's aggregate classification.

Literature cited by the submitters: PubMed 27560961 (cited by Genomenon, Inc); PubMed 15806320 (cited by Genomenon, Inc); PubMed 35338595 (cited by Genomenon, Inc).